The following is an entry in ClinVar:

ClinVar aggregate classification (germline): Uncertain significance (1 of 4 stars; one submission).

Conditions:
Xeroderma pigmentosum, group F (XPF). Also called: ERCC4-Related Xeroderma Pigmentosum; XERODERMA PIGMENTOSUM VI; XP, GROUP F; XERODERMA PIGMENTOSUM, COMPLEMENTATION GROUP F; Xeroderma pigmentosum, type 6; XERODERMA PIGMENTOSUM, TYPE F. Identifiers: MedGen C0268140, MONDO:0010215, OMIM 278760.
Cockayne syndrome. Identifiers: Orphanet 191, MedGen C0009207, MONDO:0016006.
Fanconi anemia complementation group Q. Identifiers: Orphanet 84, MedGen C3808988, MONDO:0014108, OMIM 615272.

Allele frequency attached by ClinVar (database versions not stated): TOPMed 0.00001.
gnomAD v4.1: 16 of 1,612,856 alleles (0.00099%); highest among the groups gnomAD compares: South Asian, 0.0033%; no homozygotes.

Submission:

Labcorp Genetics (formerly Invitae), Labcorp
Classification: Uncertain significance for Fanconi anemia complementation group Q; Xeroderma pigmentosum, group F; Cockayne syndrome. Last evaluated: 2025-08-24. Review status: criteria provided, single submitter. Criteria: Invitae Variant Classification Sherloc (09022015). Collection method: clinical testing. Allele origin: germline.
Comment: This sequence change replaces arginine, which is basic and polar, with tryptophan, which is neutral and slightly polar, at codon 624 of the ERCC4 protein (p.Arg624Trp). This variant is present in population databases (rs766395322, gnomAD 0.004%). This variant has not been reported in the literature in individuals affected with ERCC4-related conditions. ClinVar contains an entry for this variant (Variation ID: 1005637). Invitae Evidence Modeling of protein sequence and biophysical properties (such as structural, functional, and spatial information, amino acid conservation, physicochemical variation, residue mobility, and thermodynamic stability) indicates that this missense variant is expected to disrupt ERCC4 protein function with a positive predictive value of 80%. In summary, the available evidence is currently insufficient to determine the role of this variant in disease. Therefore, it has been classified as a Variant of Uncertain Significance.

NM_005236.3(ERCC4):c.1870C>T (p.Arg624Trp)

Gene: ERCC4 (ERCC excision repair 4, endonuclease catalytic subunit; plus strand). Cytogenetic location: 16p13.12.
Variant type: single nucleotide variant.
Coding change: c.1870C>T on transcript NM_005236.3 (MANE Select); coding-DNA position 1870, C replaced by T.
Protein change: p.Arg624Trp; replaces arginine 624 with tryptophan.
Molecular consequence: missense variant.
Genome position (GRCh38, 1-based): chr16:13,937,824, C>T. VCF-style: chr16-13937824-C-T. GRCh37 (hg19) VCF-style: chr16-14031681-C-T.
Other names: short protein forms R624W.
Identifiers: ClinVar variation 1005637 (VCV001005637.8), dbSNP rs766395322, ClinGen allele CA7910579.